The following is an entry in ClinVar:

ClinVar aggregate classification (germline): Uncertain significance (1 of 4 stars; one submission).

Conditions:
Fanconi anemia complementation group J. Also called: BRIP1-Related Fanconi Anemia. Identifiers: Orphanet 84, MedGen C1836860, MONDO:0012187, OMIM 609054.
Familial cancer of breast. Also called: Hereditary breast cancer; BREAST CANCER, FAMILIAL; hereditary breast carcinoma. Identifiers: Orphanet 227535, MedGen C0346153, MONDO:0016419, OMIM 114480. Disease mechanism: loss of function.

Submission:

Labcorp Genetics (formerly Invitae), Labcorp
Classification: Uncertain significance for Familial cancer of breast; Fanconi anemia complementation group J. Last evaluated: 2022-11-22. Review status: criteria provided, single submitter. Criteria: Invitae Variant Classification Sherloc (09022015). Collection method: clinical testing. Allele origin: germline.
Comment: Advanced modeling of protein sequence and biophysical properties (such as structural, functional, and spatial information, amino acid conservation, physicochemical variation, residue mobility, and thermodynamic stability) performed at Invitae indicates that this missense variant is not expected to disrupt BRIP1 protein function. In summary, the available evidence is currently insufficient to determine the role of this variant in disease. Therefore, it has been classified as a Variant of Uncertain Significance. ClinVar contains an entry for this variant (Variation ID: 1374711). This variant has not been reported in the literature in individuals affected with BRIP1-related conditions. This variant is not present in population databases (gnomAD no frequency). This sequence change replaces lysine, which is basic and polar, with arginine, which is basic and polar, at codon 577 of the BRIP1 protein (p.Lys577Arg).

NM_032043.3(BRIP1):c.1730A>G (p.Lys577Arg)

Gene: BRIP1 (BRCA1 interacting DNA helicase 1; minus strand). Cytogenetic location: 17q23.2.
Variant type: single nucleotide variant.
Coding change: c.1730A>G on transcript NM_032043.3 (MANE Select); coding-DNA position 1730, A replaced by G.
Protein change: p.Lys577Arg; replaces lysine 577 with arginine.
Molecular consequence: missense variant.
Genome position (GRCh38, 1-based): chr17:61,780,904, T>C on the plus strand (A>G on the coding strand, the complement: BRIP1 is on the minus strand). VCF-style: chr17-61780904-T-C. GRCh37 (hg19) VCF-style: chr17-59858265-T-C.
Other names: short protein forms K577R.
Identifiers: ClinVar variation 1374711 (VCV001374711.7), dbSNP rs1411869768, ClinGen allele CA400480370.